The following is an entry in ClinVar:

NM_005359.6(SMAD4):c.79A>G (p.Arg27Gly)

Gene: SMAD4 (SMAD family member 4; plus strand). Cytogenetic location: 18q21.2.
Variant type: single nucleotide variant.
Coding change: c.79A>G on transcript NM_005359.6 (MANE Select); coding-DNA position 79, A replaced by G.
Protein change: p.Arg27Gly; replaces arginine 27 with glycine.
Molecular consequence: missense variant. On other transcripts: non-coding transcript variant (2).
Genome position (GRCh38, 1-based): chr18:51,047,125, A>G. VCF-style: chr18-51047125-A-G. GRCh37 (hg19) VCF-style: chr18-48573495-A-G.
Other names: c.79A>G, p.Arg27Gly (NM_001407041.1, NM_001407042.1, NM_001407043.1); short protein forms R27G.
Identifiers: ClinVar variation 2757609 (VCV002757609.5), dbSNP rs2144400756, ClinGen allele CA402457529.

ClinVar aggregate classification (germline): Uncertain significance. Review status: criteria provided, multiple submitters, no conflicts (2 of 4 stars). 3 submissions from 3 submitters: Uncertain significance (3). Last evaluated 2025-05-19.

Conditions:
Juvenile polyposis syndrome (JPS). Identifiers: Orphanet 2929, MedGen C0345893, MONDO:0017380, OMIM 174900.
Familial thoracic aortic aneurysm and aortic dissection (TAAD). Also called: Thoracic aortic aneurysms and dissections. Identifiers: Orphanet 91387, MedGen C4707243, MONDO:0019625.
Hereditary cancer-predisposing syndrome. Also called: Neoplastic Syndromes, Hereditary; Tumor predisposition; Hereditary neoplastic syndrome; Hereditary Cancer Syndrome. Identifiers: Orphanet 140162, MedGen C0027672, MeSH D009386, MONDO:0015356.
Juvenile polyposis/hereditary hemorrhagic telangiectasia syndrome (JPHT). Also called: JP/HHT SYNDROME; JUVENILE POLYPOSIS WITH HEREDITARY HEMORRHAGIC TELANGIECTASIA; POLYPOSIS, GENERALIZED JUVENILE, WITH PULMONARY ARTERIOVENOUS MALFORMATION; TELANGIECTASIA, HEREDITARY HEMORRHAGIC, WITH JUVENILE POLYPOSIS COLI; Juvenile Polyposis Syndrome / Hereditary Hemorrhagic Telangiectasia (JPS/HHT). Identifiers: Orphanet 2929, MedGen C1832942, MONDO:0008278, OMIM 175050.
Familial pancreatic carcinoma. Identifiers: Orphanet 1333, MedGen C2931038, MONDO:0015278, OMIM 260350.
Myhre syndrome (MYHRS). Also called: LARYNGOTRACHEAL STENOSIS, ARTHROPATHY, PROGNATHISM, AND SHORT STATURE; LAPS SYNDROME. Identifiers: Orphanet 2588, MedGen C0796081, MONDO:0007688, OMIM 139210.

Submissions (3):

Ambry Genetics
Classification: Uncertain significance for Hereditary cancer-predisposing syndrome; Familial thoracic aortic aneurysm and aortic dissection. Last evaluated: 2025-05-19. Review status: criteria provided, single submitter. Criteria: Ambry Variant Classification Scheme 2023. Collection method: clinical testing. Allele origin: germline.
Comment: The p.R27G variant (also known as c.79A>G), located in coding exon 1 of the SMAD4 gene, results from an A to G substitution at nucleotide position 79. The arginine at codon 27 is replaced by glycine, an amino acid with dissimilar properties. This amino acid position is conserved. In addition, this alteration is predicted to be deleterious by in silico analysis. Based on the available evidence, the clinical significance of this variant remains unclear.

Labcorp Genetics (formerly Invitae), Labcorp
Classification: Uncertain significance for Juvenile polyposis syndrome. Last evaluated: 2025-01-28. Review status: criteria provided, single submitter. Criteria: Invitae Variant Classification Sherloc (09022015). Collection method: clinical testing. Allele origin: germline.
Comment: This sequence change replaces arginine, which is basic and polar, with glycine, which is neutral and non-polar, at codon 27 of the SMAD4 protein (p.Arg27Gly). This variant is not present in population databases (gnomAD no frequency). This variant has not been reported in the literature in individuals affected with SMAD4-related conditions. ClinVar contains an entry for this variant (Variation ID: 2757609). Invitae Evidence Modeling of protein sequence and biophysical properties (such as structural, functional, and spatial information, amino acid conservation, physicochemical variation, residue mobility, and thermodynamic stability) has been performed for this missense variant. However, the output from this modeling did not meet the statistical confidence thresholds required to predict the impact of this variant on SMAD4 protein function. In summary, the available evidence is currently insufficient to determine the role of this variant in disease. Therefore, it has been classified as a Variant of Uncertain Significance.

Fulgent Genetics
Classification: Uncertain significance for Myhre syndrome; Juvenile polyposis syndrome; Juvenile polyposis/hereditary hemorrhagic telangiectasia syndrome; Familial pancreatic carcinoma. Last evaluated: 2024-04-02. Review status: criteria provided, single submitter. Criteria: ACMG Guidelines, 2015. Collection method: clinical testing. Allele origin: germline.